The following is an entry in ClinVar:

ClinVar aggregate classification (germline): Pathogenic/Likely pathogenic. Review status: criteria provided, multiple submitters, no conflicts (2 of 4 stars). 2 submissions from 2 submitters: Pathogenic (1); Likely pathogenic (1). Last evaluated 2023-05-22.

Conditions:
Neurofibromatosis, type 2 (SWNV). Also called: BILATERAL ACOUSTIC NEUROFIBROMATOSIS; SCHWANNOMATOSIS, VESTIBULAR; NF2-Related Schwannomatosis. Identifiers: Orphanet 637, MedGen C0027832, MONDO:0007039, OMIM 101000. Disease mechanism: loss of function.
Hereditary cancer-predisposing syndrome. Also called: Neoplastic Syndromes, Hereditary; Tumor predisposition; Hereditary neoplastic syndrome; Hereditary Cancer Syndrome. Identifiers: Orphanet 140162, MedGen C0027672, MeSH D009386, MONDO:0015356.

Submissions (2):

Ambry Genetics
Classification: Likely pathogenic for Hereditary cancer-predisposing syndrome. Last evaluated: 2023-05-22. Review status: criteria provided, single submitter. Criteria: Ambry Variant Classification Scheme 2023. Collection method: clinical testing. Allele origin: germline.
Comment: The c.599+1G>T intronic variant results from a G to T substitution one nucleotide after coding exon 6 of the NF2 gene. This variant is considered to be rare based on population cohorts in the Genome Aggregation Database (gnomAD). This nucleotide position is highly conserved in available vertebrate species. In silico splice site analysis predicts that this alteration will weaken the native splice donor site. Alterations that disrupt the canonical splice site are expected to cause aberrant splicing, resulting in an abnormal protein or a transcript that is subject to nonsense-mediated mRNA decay. As such, this alteration is classified as likely pathogenic.

Labcorp Genetics (formerly Invitae), Labcorp
Classification: Pathogenic for Neurofibromatosis, type 2. Last evaluated: 2022-02-05. Review status: criteria provided, single submitter. Criteria: Invitae Variant Classification Sherloc (09022015). Collection method: clinical testing. Allele origin: germline.
Comment: Disruption of this splice site has been observed in individuals with clinical features of neurofibromatosis type 2 (PMID: 16983642; Invitae). For these reasons, this variant has been classified as Pathogenic. Algorithms developed to predict the effect of sequence changes on RNA splicing suggest that this variant may disrupt the consensus splice site. ClinVar contains an entry for this variant (Variation ID: 457923). This variant is not present in population databases (gnomAD no frequency). This sequence change affects a donor splice site in intron 6 of the NF2 gene. It is expected to disrupt RNA splicing. Variants that disrupt the donor or acceptor splice site typically lead to a loss of protein function (PMID: 16199547), and loss-of-function variants in NF2 are known to be pathogenic (PMID: 9643284, 16983642).

Literature cited by the submitters: PubMed 16983642 (cited by Labcorp Genetics (formerly Invitae), Labcorp); PubMed 16199547 (cited by Labcorp Genetics (formerly Invitae), Labcorp); PubMed 9643284 (cited by Labcorp Genetics (formerly Invitae), Labcorp).

NM_000268.4(NF2):c.599+1G>T

Gene: NF2 (NF2, moesin-ezrin-radixin like (MERLIN) tumor suppressor; plus strand). Cytogenetic location: 22q12.2.
Variant type: single nucleotide variant.
Coding change: c.599+1G>T on transcript NM_000268.4 (MANE Select); the canonical splice donor site of the intron after coding-DNA position 599, G replaced by T.
Molecular consequence: splice donor variant. On other transcripts: intron variant (1).
Genome position (GRCh38, 1-based): chr22:29,655,677, G>T. VCF-style: chr22-29655677-G-T. GRCh37 (hg19) VCF-style: chr22-30051666-G-T.
Other names: c.599+1G>T (NM_016418.5, NM_181832.3, NM_001407060.1 and 4 more transcripts); c.485+1G>T (NM_001407056.1, NM_001407053.1); c.368+1G>T (NM_001407067.1); c.65+1G>T (NM_001407065.1); c.447+13392G>T (NM_181833.3); c.476+1G>T (NM_001407058.1, NM_181829.3, NM_001407054.1 and 1 more transcripts); c.473+1G>T (NM_181828.3, NM_001407055.1); c.350+1G>T (NM_001407063.1, NM_181830.3, NM_001407064.1 and 1 more transcripts).
Identifiers: ClinVar variation 457923 (VCV000457923.9), dbSNP rs1555993352, ClinGen allele CA411142734.